The following is an entry in ClinVar:

ClinVar aggregate classification (germline): Uncertain significance (1 of 4 stars; one submission).

Conditions:
Centromeric instability of chromosomes 1,9 and 16 and immunodeficiency (ICF1). Also called: Immunodeficiency-centromeric instability-facial anomalies; IMMUNE DEFICIENCY, VARIABLE, WITH CENTROMERIC INSTABILITY OF CHROMOSOMES 1, 9, AND 16; IMMUNODEFICIENCY SYNDROME, VARIABLE; CENTROMERIC INSTABILITY, IMMUNODEFICIENCY SYNDROME. Identifiers: Orphanet 2268, MedGen C0398788, MONDO:0000133.

Allele frequency attached by ClinVar (database versions not stated): gnomAD exomes below 0.00001; TOPMed below 0.00001; ExAC 0.00001; gnomAD 0.00001.

Submission:

Labcorp Genetics (formerly Invitae), Labcorp
Classification: Uncertain significance for Centromeric instability of chromosomes 1,9 and 16 and immunodeficiency. Last evaluated: 2021-08-27. Review status: criteria provided, single submitter. Criteria: Invitae Variant Classification Sherloc (09022015). Collection method: clinical testing. Allele origin: germline.
Comment: This sequence change replaces isoleucine with valine at codon 765 of the DNMT3B protein (p.Ile765Val). The isoleucine residue is weakly conserved and there is a small physicochemical difference between isoleucine and valine. This variant is present in population databases (rs756320752, ExAC 0.001%). This variant has not been reported in the literature in individuals affected with DNMT3B-related conditions. Algorithms developed to predict the effect of missense changes on protein structure and function (SIFT, PolyPhen-2, Align-GVGD) all suggest that this variant is likely to be tolerated. Algorithms developed to predict the effect of sequence changes on RNA splicing suggest that this variant may create or strengthen a splice site. In summary, the available evidence is currently insufficient to determine the role of this variant in disease. Therefore, it has been classified as a Variant of Uncertain Significance.

NM_006892.4(DNMT3B):c.2293A>G (p.Ile765Val)

Gene: DNMT3B (DNA methyltransferase 3 beta; plus strand). Cytogenetic location: 20q11.21.
Variant type: single nucleotide variant.
Coding change: c.2293A>G on transcript NM_006892.4 (MANE Select); coding-DNA position 2293, A replaced by G.
Protein change: p.Ile765Val; replaces isoleucine 765 with valine.
Molecular consequence: missense variant. On other transcripts: intron variant (3).
Genome position (GRCh38, 1-based): chr20:32,805,399, A>G. VCF-style: chr20-32805399-A-G. GRCh37 (hg19) VCF-style: chr20-31393205-A-G.
Other names: c.2233A>G, p.Ile745Val (NM_175848.2); c.2269A>G, p.Ile757Val (NM_175850.3); c.2172-2363A>G (NM_175849.2); c.2046-2363A>G (NM_001207055.2); c.1944-2363A>G (NM_001207056.2); short protein forms I745V, I757V, I765V.
Identifiers: ClinVar variation 1009795 (VCV001009795.6), dbSNP rs756320752, ClinGen allele CA9810881.